The following is an entry in ClinVar:

ClinVar aggregate classification (germline): Uncertain significance. Review status: criteria provided, multiple submitters, no conflicts (2 of 4 stars). 2 submissions from 2 submitters: Uncertain significance (2). Last evaluated 2025-04-01.

Conditions:
Hereditary cancer-predisposing syndrome. Also called: Neoplastic Syndromes, Hereditary; Hereditary Cancer Syndrome; Hereditary neoplastic syndrome; Tumor predisposition. Identifiers: Orphanet 140162, MedGen C0027672, MeSH D009386, MONDO:0015356.
EGFR-related lung cancer (EGFR). Identifiers: MedGen CN130014.

Allele frequency attached by ClinVar (database versions not stated): gnomAD exomes below 0.00001; ExAC 0.00001.
gnomAD v4.1: 2 of 1,614,056 alleles (0.00012%); highest among the groups gnomAD compares: Non-Finnish European, 0.00017%; no homozygotes.

Submissions (2):

Ambry Genetics
Classification: Uncertain significance for Hereditary cancer-predisposing syndrome. Last evaluated: 2025-04-01. Review status: criteria provided, single submitter. Criteria: Ambry Variant Classification Scheme 2023. Collection method: clinical testing. Allele origin: germline.
Comment: The p.I740V variant (also known as c.2218A>G), located in coding exon 19 of the EGFR gene, results from an A to G substitution at nucleotide position 2218. The isoleucine at codon 740 is replaced by valine, an amino acid with highly similar properties. This amino acid position is conserved. In addition, the in silico prediction for this alteration is inconclusive. Based on the available evidence, the clinical significance of this variant remains unclear.

Labcorp Genetics (formerly Invitae), Labcorp
Classification: Uncertain significance for EGFR-related lung cancer. Last evaluated: 2024-11-27. Review status: criteria provided, single submitter. Criteria: Invitae Variant Classification Sherloc (09022015). Collection method: clinical testing. Allele origin: germline.
Comment: This sequence change replaces isoleucine, which is neutral and non-polar, with valine, which is neutral and non-polar, at codon 740 of the EGFR protein (p.Ile740Val). This variant is present in population databases (rs747133806, gnomAD 0.0009%). This variant has not been reported in the literature in individuals affected with EGFR-related conditions. ClinVar contains an entry for this variant (Variation ID: 1059300). Invitae Evidence Modeling of protein sequence and biophysical properties (such as structural, functional, and spatial information, amino acid conservation, physicochemical variation, residue mobility, and thermodynamic stability) indicates that this missense variant is not expected to disrupt EGFR protein function with a negative predictive value of 80%. In summary, the available evidence is currently insufficient to determine the role of this variant in disease. Therefore, it has been classified as a Variant of Uncertain Significance.

NM_005228.5(EGFR):c.2218A>G (p.Ile740Val)

Gene: EGFR (epidermal growth factor receptor; plus strand). Cytogenetic location: 7p11.2.
Variant type: single nucleotide variant.
Coding change: c.2218A>G on transcript NM_005228.5 (MANE Select); coding-DNA position 2218, A replaced by G.
Protein change: p.Ile740Val; replaces isoleucine 740 with valine.
Molecular consequence: missense variant.
Genome position (GRCh38, 1-based): chr7:55,174,755, A>G. VCF-style: chr7-55174755-A-G. GRCh37 (hg19) VCF-style: chr7-55242448-A-G.
Other names: c.2083A>G, p.Ile695Val (NM_001346897.2, NM_001346899.2); c.2218A>G, p.Ile740Val (NM_001346898.2); c.2059A>G, p.Ile687Val (NM_001346900.2); c.1417A>G, p.Ile473Val (NM_001346941.2); c.2218A>G (NM_005228.3); short protein forms I473V, I687V, I695V, I740V.
Identifiers: ClinVar variation 1059300 (VCV001059300.8), dbSNP rs747133806, ClinGen allele CA4266014.